The following is an entry in ClinVar:

ClinVar aggregate classification (germline): Uncertain significance. Review status: criteria provided, multiple submitters, no conflicts (2 of 4 stars). 4 submissions from 4 submitters: Uncertain significance (4). Last evaluated 2025-07-02.

Conditions:
Inborn genetic diseases. Identifiers: MedGen C0950123, MeSH D030342.

Allele frequency attached by ClinVar (database versions not stated): TOPMed 0.00003; gnomAD 0.00004; gnomAD exomes 0.00005; ExAC 0.00006; ESP Exome Variant Server 0.00023.
gnomAD v4.1: 67 of 1,605,334 alleles (0.0042%); highest among the groups gnomAD compares: Middle Eastern, 0.016%; no homozygotes.

Submissions (4):

Labcorp Genetics (formerly Invitae), Labcorp
Classification: Uncertain significance. Last evaluated: 2025-07-02. Review status: criteria provided, single submitter. Criteria: Invitae Variant Classification Sherloc (09022015). Collection method: clinical testing. Allele origin: germline.
Comment: This sequence change replaces arginine, which is basic and polar, with tryptophan, which is neutral and slightly polar, at codon 1695 of the SPTBN2 protein (p.Arg1695Trp). This variant is present in population databases (rs150270569, gnomAD 0.006%). This variant has not been reported in the literature in individuals affected with SPTBN2-related conditions. ClinVar contains an entry for this variant (Variation ID: 994469). Invitae Evidence Modeling of protein sequence and biophysical properties (such as structural, functional, and spatial information, amino acid conservation, physicochemical variation, residue mobility, and thermodynamic stability) indicates that this missense variant is not expected to disrupt SPTBN2 protein function with a negative predictive value of 80%. In summary, the available evidence is currently insufficient to determine the role of this variant in disease. Therefore, it has been classified as a Variant of Uncertain Significance.

Ambry Genetics
Classification: Uncertain significance for Inborn genetic diseases. Last evaluated: 2025-04-13. Review status: criteria provided, single submitter. Criteria: Ambry Variant Classification Scheme 2023. Collection method: clinical testing. Allele origin: germline.

GeneDx
Classification: Uncertain significance. Last evaluated: 2024-03-24. Review status: criteria provided, single submitter. Criteria: GeneDx Variant Classification Process June 2021. Collection method: clinical testing. Allele origin: germline. Affected: yes.
Comment: In silico analysis supports that this missense variant has a deleterious effect on protein structure/function; Has not been previously published as pathogenic or benign to our knowledge

Athena Diagnostics
Classification: Uncertain significance. Last evaluated: 2022-05-05. Review status: criteria provided, single submitter. Criteria: Athena Diagnostics Criteria. Collection method: clinical testing. Allele origin: unknown.

NM_006946.4(SPTBN2):c.5083C>T (p.Arg1695Trp)

Gene: SPTBN2 (spectrin beta, non-erythrocytic 2; minus strand). Cytogenetic location: 11q13.2.
Variant type: single nucleotide variant.
Coding change: c.5083C>T on transcript NM_006946.4 (MANE Select); coding-DNA position 5083, C replaced by T.
Protein change: p.Arg1695Trp; replaces arginine 1695 with tryptophan.
Molecular consequence: missense variant.
Genome position (GRCh38, 1-based): chr11:66,692,643, G>A on the plus strand (C>T on the coding strand, the complement: SPTBN2 is on the minus strand). VCF-style: chr11-66692643-G-A. GRCh37 (hg19) VCF-style: chr11-66460114-G-A.
Other names: short protein forms R1695W.
Identifiers: ClinVar variation 994469 (VCV000994469.10), dbSNP rs150270569, ClinGen allele CA6128371.